The following is an entry in ClinVar:

ClinVar aggregate classification (germline): Uncertain significance (1 of 4 stars; one submission).

Allele frequency attached by ClinVar (database versions not stated): TOPMed 0.00002; ExAC 0.00003; gnomAD 0.00002.

Submission:

Labcorp Genetics (formerly Invitae), Labcorp
Classification: Uncertain significance. Last evaluated: 2023-02-14. Review status: criteria provided, single submitter. Criteria: Invitae Variant Classification Sherloc (09022015). Collection method: clinical testing. Allele origin: germline.
Comment: In summary, the available evidence is currently insufficient to determine the role of this variant in disease. Therefore, it has been classified as a Variant of Uncertain Significance. This sequence change replaces valine, which is neutral and non-polar, with isoleucine, which is neutral and non-polar, at codon 86 of the ASB10 protein (p.Val86Ile). This variant is present in population databases (rs775064026, gnomAD 0.01%). This variant has not been reported in the literature in individuals affected with ASB10-related conditions. Algorithms developed to predict the effect of missense changes on protein structure and function output the following: SIFT: "Tolerated"; PolyPhen-2: "Benign"; Align-GVGD: "Class C0". The isoleucine amino acid residue is found in multiple mammalian species, which suggests that this missense change does not adversely affect protein function.

NM_001142459.2(ASB10):c.256G>A (p.Val86Ile)

Gene: ASB10 (ankyrin repeat and SOCS box containing 10; minus strand). Cytogenetic location: 7q36.1.
Variant type: single nucleotide variant.
Coding change: c.256G>A on transcript NM_001142459.2 (MANE Select); coding-DNA position 256, G replaced by A.
Protein change: p.Val86Ile; replaces valine 86 with isoleucine.
Molecular consequence: missense variant. On other transcripts: intron variant (1).
Genome position (GRCh38, 1-based): chr7:151,186,875, C>T on the plus strand (G>A on the coding strand, the complement: ASB10 is on the minus strand). VCF-style: chr7-151186875-C-T. GRCh37 (hg19) VCF-style: chr7-150883962-C-T.
Other names: c.256G>A, p.Val86Ile (NM_001142460.1); c.272-216G>A (NM_080871.4); short protein forms V86I.
Identifiers: ClinVar variation 2195540 (VCV002195540.4), dbSNP rs775064026, ClinGen allele CA4573954.
Genomic context (GRCh38, chr7:151,186,875, plus strand): 5'-TCAGAGCACGGATGTTGAAGCGGAAATCCCTCCATCGCTCTGGGTCGCTGGTATCAAAGA[C>T]GGAATCAGGAGCCAGGCCAGTACTGGAGTCCGCGAGGATGCGGGAGACACAGCCCACGTC-3'
Protein context (NP_001135931.2, residues 76-96): DSSTGLAPDS[Val86Ile]FDTSDPERWR